The following is an entry in ClinVar:

ClinVar aggregate classification (germline): Pathogenic. Review status: reviewed by expert panel (3 of 4 stars). 8 submissions from 8 submitters: Pathogenic (1). 7 of the submissions do not count toward it. Last evaluated 2022-11-22.

Conditions:
ATM-related cancer predisposition. Also called: ATM-related cancer susceptibility. Identifiers: MedGen CN377759, MONDO:0700270.
Hereditary cancer-predisposing syndrome. Also called: Hereditary neoplastic syndrome; Neoplastic Syndromes, Hereditary; Hereditary Cancer Syndrome; Tumor predisposition. Identifiers: Orphanet 140162, MedGen C0027672, MeSH D009386, MONDO:0015356.
Familial cancer of breast. Also called: Hereditary breast cancer; BREAST CANCER, FAMILIAL; hereditary breast carcinoma. Identifiers: Orphanet 227535, MedGen C0346153, MONDO:0016419, OMIM 114480. Disease mechanism: loss of function.
Ataxia-telangiectasia syndrome (AT). Also called: Ataxia telangiectasia (A-T); Cerebello-oculocutaneous telangiectasia; Immunodeficiency with ataxia telangiectasia; Ataxia-telangiectasia; Ataxia-telangiectasia, complementation group D; AT, COMPLEMENTATION GROUP C. Identifiers: Orphanet 100, MedGen C0004135, MONDO:0008840, OMIM 208900.

Allele frequency attached by ClinVar (database versions not stated): gnomAD exomes below 0.00001; TOPMed below 0.00001; ExAC 0.00001; gnomAD 0.00001.
gnomAD v4.1: 1 of 1,603,434 alleles (0.000062%); highest among the groups gnomAD compares: Non-Finnish European, 0.000085%; no homozygotes.

Submissions (8):

ClinGen Hereditary Breast, Ovarian and Pancreatic Cancer Variant Curation Expert Panel, ClinGen
Classification: Pathogenic for ATM-related cancer predisposition. Last evaluated: 2022-11-22. Review status: reviewed by expert panel. Criteria: clingen hbop acmg specifications atm v1-1. Collection method: curation. Allele origin: germline. Inheritance: Autosomal dominant inheritance.
Comment: The ATM c.332-1G>A variant is predicted to create an NMD-escaping transcript resulting in a loss of part of the HEAT repeat domain (PVS1_strong). This variant has been observed in a compound heterozygous state (confirmed) in one individual with Ataxia-Telangiectasia (PMID: 10980530, PM3_strong). This variant is a singleton in gnomAD v2.1.1 and therefore considered rare (PM2_Supporting). In summary, this variant meets criteria to be classified as pathogenic. ACMG/AMP criteria applied, as specified by the HBOP Variant Curation Expert Panel.

Ambry Genetics
Classification: Pathogenic for Hereditary cancer-predisposing syndrome. Last evaluated: 2025-12-22. Review status: criteria provided, single submitter. Criteria: Ambry Variant Classification Scheme 2023. Collection method: clinical testing. Allele origin: germline. Not counted in ClinVar's aggregate classification.
Comment: The c.332-1G>A pathogenic intronic variant results from a G to A substitution one nucleotide upstream from coding exon 4 of the ATM gene. This alteration has been detected in an individual with ataxia-telangiectasia confirmed in trans with another ATM pathogenic mutation, and RNA analysis of this alteration showed skipping of exon 5 leading to an in-frame deletion of 165 base pairs or 55 amino acids (Laake K et al. Hum. Mutat. 2000 Sep; 16(3):232-46). In silico splice site analysis predicts that this alteration will weaken the native splice acceptor site. Alterations that disrupt the canonical splice site are expected to cause aberrant splicing, resulting in an abnormal protein or a transcript that is subject to nonsense-mediated mRNA decay. RNA studies have demonstrated that this alteration results in abnormal splicing in the set of samples tested (Ambry internal data). Based on the supporting evidence, this alteration is interpreted as a disease-causing mutation.

Institute of Human Genetics, University of Leipzig Medical Center
Classification: Likely pathogenic for Familial cancer of breast. Last evaluated: 2025-05-14. Review status: criteria provided, single submitter. Criteria: ACMG Guidelines, 2015. Collection method: clinical testing. Allele origin: unknown. Inheritance: Autosomal dominant inheritance. Affected: yes. Not counted in ClinVar's aggregate classification.
Comment: Criteria applied: PVS1_STR,PM3_STR,PM2_SUP

Center for Genomic Medicine, Rigshospitalet, Copenhagen University Hospital
Classification: Pathogenic. Last evaluated: 2025-03-04. Review status: criteria provided, single submitter. Criteria: ACMG Guidelines, 2015. Collection method: clinical testing. Allele origin: germline. Not counted in ClinVar's aggregate classification.

Labcorp Genetics (formerly Invitae), Labcorp
Classification: Likely pathogenic for Ataxia-telangiectasia syndrome. Last evaluated: 2024-11-28. Review status: criteria provided, single submitter. Criteria: Invitae Variant Classification Sherloc (09022015). Collection method: clinical testing. Allele origin: germline. Not counted in ClinVar's aggregate classification.
Comment: This sequence change affects an acceptor splice site in intron 4 of the ATM gene. RNA analysis indicates that disruption of this splice site induces altered splicing and likely results in a shortened protein product. This variant is present in population databases (rs747855862, gnomAD 0.005%). Disruption of this splice site has been observed in individual(s) with ataxia-telangiectasia (PMID: 10980530). In at least one individual the data is consistent with being in trans (on the opposite chromosome) from a pathogenic variant. This variant is also known as IVS6-1 G>A. ClinVar contains an entry for this variant (Variation ID: 231535). Studies have shown that disruption of this splice site results in skipping of exon 5, but is expected to preserve the integrity of the reading-frame (PMID: 10980530; internal data). In summary, the currently available evidence indicates that the variant is pathogenic, but additional data are needed to prove that conclusively. Therefore, this variant has been classified as Likely Pathogenic.

Myriad Genetics, Inc.
Classification: Pathogenic for Familial cancer of breast. Last evaluated: 2024-01-09. Review status: criteria provided, single submitter. Criteria: Myriad Autosomal Dominant, Autosomal Recessive and X-Linked Classification Criteria (2023). Collection method: clinical testing. Allele origin: unknown. Not counted in ClinVar's aggregate classification.
Comment: This variant is considered pathogenic. This variant occurs within a consensus splice junction and is predicted to result in abnormal mRNA splicing of either an out-of-frame exon or an in-frame exon necessary for protein stability and/or normal function. mRNA analysis has demonstrated abnormal mRNA splicing occurs [Myriad internal data].

GeneDx
Classification: Likely pathogenic. Last evaluated: 2018-03-28. Review status: criteria provided, single submitter. Criteria: GeneDx Variant Classification (06012015). Collection method: clinical testing. Allele origin: germline. Affected: yes. Not counted in ClinVar's aggregate classification.
Comment: This pathogenic variant is denoted ATM c.332-1G>A or IVS4-1G>A and consists of a G>A nucleotide substitution at the -1 position of intron 4 of the ATM gene. A splicing assay reportedly demonstrated that this variant, also defined as IVS6-1G>A using alternate numbering, results in the skipping of the adjacent exon (Laake 2000). This disruption would be predicted to lead to an abnormal message that is subject to nonsense-mediated mRNA decay or to an abnormal protein product. ATM c.332-1G>A was observed in trans with another ATM variant in an individual with Ataxia-Telangiectasia (Laake 2000). Based on currently available evidence, we consider this variant to be likely pathogenic.

BRCAlab, Lund University
Classification: Likely pathogenic for Familial cancer of breast. Last evaluated: 2022-08-26. Review status: no assertion criteria provided. Collection method: clinical testing. Allele origin: germline. Affected: yes. Not counted in ClinVar's aggregate classification.

Literature cited by the submitters: PubMed 10980530 (cited by 3 submitters); PubMed 29922827 (cited by Ambry Genetics).

NM_000051.4(ATM):c.332-1G>A

Gene: ATM (ATM serine/threonine kinase; plus strand). Cytogenetic location: 11q22.3.
Variant type: single nucleotide variant.
Coding change: c.332-1G>A on transcript NM_000051.4 (MANE Select); the canonical splice acceptor site of the intron before coding-DNA position 332, G replaced by A.
Molecular consequence: splice acceptor variant.
Genome position (GRCh38, 1-based): chr11:108,235,669, G>A. VCF-style: chr11-108235669-G-A. GRCh37 (hg19) VCF-style: chr11-108106396-G-A.
Other names: NM_000051.3(ATM):c.332-1G>A; c.332-1G>A (NM_001351834.2).
Identifiers: ClinVar variation 231535 (VCV000231535.34), dbSNP rs747855862, ClinGen allele CA6264590.
Genomic context (GRCh38, chr11:108,235,669, plus strand): 5'-TTCCAAGTGTCTTATTTTTGTTCAAATTTATGTTTTTCTTTATTTGTTTATTTTGAAATA[G>A]GAGCACCTAGGCTAAAATGTCAAGAACTCTTAAATTATATCATGGATACAGTGAAAGATT-3'